The following is an entry in ClinVar:

ClinVar aggregate classification (germline): Pathogenic. Review status: criteria provided, multiple submitters, no conflicts (2 of 4 stars). 7 submissions from 7 submitters: Pathogenic (7). Last evaluated 2026-01-20.

Conditions:
Inborn genetic diseases. Identifiers: MedGen C0950123, MeSH D030342.
Xeroderma pigmentosum group A (XPA). Also called: XPA-Related Xeroderma Pigmentosum; Xeroderma pigmentosum, complementation group A; XP, group A. Identifiers: Orphanet 910, MedGen C0268135, MONDO:0010210, OMIM 278700.
XPA-related disorder. Also called: XPA-related condition.
Xeroderma pigmentosum (XP). Identifiers: Orphanet 910, MedGen C0043346, MONDO:0019600.

Allele frequency attached by ClinVar (database versions not stated): gnomAD exomes 0.00001 and 0.00004; ExAC 0.00006.
gnomAD v4.1: 22 of 1,606,648 alleles (0.0014%); highest among the groups gnomAD compares: South Asian, 0.022%; no homozygotes.

Submissions (7):

Ambry Genetics
Classification: Pathogenic for Inborn genetic diseases. Last evaluated: 2026-01-20. Review status: criteria provided, single submitter. Criteria: Ambry Variant Classification Scheme 2023. Collection method: clinical testing. Allele origin: germline.
Comment: The c.555+8A>G intronic alteration results from a A to G substitution 8 nucleotides after coding exon 4 of the XPA gene. Based on data from gnomAD, the G allele has an overall frequency of <0.01% (11/246242) total alleles studied. The highest observed frequency was 0.04% (11/29322) of South Asian alleles. This alteration has been observed in the homozygous state in multiple individuals with xeroderma pigmentosum (Sidwell, 2006; Fassihi, 2016; Sethi, 2016; Whitworth, 2016). This nucleotide position is not well conserved in available vertebrate species. RNA studies in patient fibroblasts have shown this variant causes aberrant splicing, leading to truncation and decreased production of the XPA protein (Sidwell, 2006; Sethi, 2016). In silico splice site analysis predicts that this alteration may weaken the native splice donor site and will result in the creation or strengthening of a novel splice donor site. Based on the available evidence, this alteration is classified as pathogenic.

Revvity Omics, Revvity
Classification: Pathogenic for Xeroderma pigmentosum group A. Last evaluated: 2024-11-18. Review status: criteria provided, single submitter. Criteria: ACMG Guidelines, 2015. Collection method: clinical testing. Allele origin: germline.

Labcorp Genetics (formerly Invitae), Labcorp
Classification: Pathogenic. Last evaluated: 2024-03-16. Review status: criteria provided, single submitter. Criteria: Invitae Variant Classification Sherloc (09022015). Collection method: clinical testing. Allele origin: germline.
Comment: This sequence change falls in intron 4 of the XPA gene. It does not directly change the encoded amino acid sequence of the XPA protein. RNA analysis indicates that this variant induces altered splicing and may result in an absent or disrupted protein product. This variant is present in population databases (rs756967163, gnomAD 0.04%). This variant has been observed in individuals with xeroderma pigmentosum (PMID: 16792756, 26659639, 26743599, 26884178). ClinVar contains an entry for this variant (Variation ID: 852033). Studies have shown that this variant results in the activation of an alternative splice donor in intron 4 and introduces a premature termination codon (PMID: 16792756). The resulting mRNA is expected to undergo nonsense-mediated decay. For these reasons, this variant has been classified as Pathogenic.

Fulgent Genetics
Classification: Pathogenic for Xeroderma pigmentosum group A. Last evaluated: 2024-03-08. Review status: criteria provided, single submitter. Criteria: ACMG Guidelines, 2015. Collection method: clinical testing. Allele origin: germline.

Baylor Genetics
Classification: Pathogenic for Xeroderma pigmentosum group A. Last evaluated: 2024-02-08. Review status: criteria provided, single submitter. Criteria: ACMG Guidelines, 2015. Collection method: clinical testing. Allele origin: unknown.

Blueprint Genetics
Classification: Pathogenic for XPA-related disorders. Last evaluated: 2023-05-19. Review status: criteria provided, single submitter. Criteria: ACMG Guidelines, 2015. Collection method: clinical testing. Allele origin: germline. Affected: yes. Observed: 3 variant alleles.

Women's Health and Genetics/Laboratory Corporation of America, LabCorp
Classification: Pathogenic for Xeroderma pigmentosum. Last evaluated: 2021-08-30. Review status: criteria provided, single submitter. Criteria: LabCorp Variant Classification Summary - May 2015. Collection method: clinical testing. Allele origin: germline.
Comment: Variant summary: XPA c.555+8A>G alters a non-conserved nucleotide located close to a canonical splice site and therefore could affect mRNA splicing, leading to a significantly altered protein sequence. Several computational tools predict a significant impact on normal splicing: Three predict the variant creates a new cryptic intronic 5 donor site. Experimental evidence supports these predictions indicating the variant causes aberrant splicing, which results in a truncated protein (Sidwell_2006). The variant allele was found at a frequency of 4.5e-05 in 246242 control chromosomes (gnomAD). c.555+8A>G has been reported in the literature in multiple homozygous individuals affected with Xeroderma Pigmentosum (e.g. Sidwell_2006, Sethi_2016). These data indicate that the variant is very likely to be associated with disease. Experimental evidence evaluating an impact on protein function, demonstrated the variant considerably decreases but does not abolish production of normal XPA protein. This residual protein is able to carry out some low levels of nucleotide excision repair (Sidwell_2006, Sethi_2016). A ClinVar submitter (evaluation after 2014) cites the variant as pathogenic. Based on the evidence outlined above, the variant was classified as pathogenic.

Literature cited by the submitters: PubMed 16792756 (cited by 3 submitters); PubMed 26659639 (cited by Ambry Genetics and Labcorp Genetics (formerly Invitae), Labcorp); PubMed 26743599 (cited by 3 submitters); PubMed 26884178 (cited by Ambry Genetics and Labcorp Genetics (formerly Invitae), Labcorp).

NM_000380.4(XPA):c.555+8A>G

Gene: XPA (XPA, DNA damage recognition and repair factor; minus strand). Cytogenetic location: 9q22.33.
Variant type: single nucleotide variant.
Coding change: c.555+8A>G on transcript NM_000380.4 (MANE Select); 8 bases into the intron after coding-DNA position 555, A replaced by G.
Molecular consequence: intron variant.
Genome position (GRCh38, 1-based): chr9:97,687,088, T>C on the plus strand (A>G on the coding strand, the complement: XPA is on the minus strand). VCF-style: chr9-97687088-T-C. GRCh37 (hg19) VCF-style: chr9-100449370-T-C.
Other names: c.429+8A>G (NM_001354975.2).
Identifiers: ClinVar variation 852033 (VCV000852033.15), dbSNP rs756967163, ClinGen allele CA5148803.